The following is an entry in ClinVar:

ClinVar aggregate classification (germline): Uncertain significance (1 of 4 stars; one submission).

Conditions:
Autosomal recessive limb-girdle muscular dystrophy type R18 (LGMDR18). Also called: Limb-girdle muscular dystrophy, type 2S; MUSCULAR DYSTROPHY, LIMB-GIRDLE, AUTOSOMAL RECESSIVE 18; Autosomal recessive limb-girdle muscular dystrophy type 2S. Identifiers: Orphanet 369840, MedGen C4517996, MONDO:0014144, OMIM 615356.

Submission:

Labcorp Genetics (formerly Invitae), Labcorp
Classification: Uncertain significance for Autosomal recessive limb-girdle muscular dystrophy type R18. Last evaluated: 2024-07-01. Review status: criteria provided, single submitter. Criteria: Invitae Variant Classification Sherloc (09022015). Collection method: clinical testing. Allele origin: germline.
Comment: This sequence change replaces leucine, which is neutral and non-polar, with phenylalanine, which is neutral and non-polar, at codon 538 of the TRAPPC11 protein (p.Leu538Phe). This variant is present in population databases (rs777110629, gnomAD 0.003%). This variant has not been reported in the literature in individuals affected with TRAPPC11-related conditions. ClinVar contains an entry for this variant (Variation ID: 1438504). Advanced modeling of protein sequence and biophysical properties (such as structural, functional, and spatial information, amino acid conservation, physicochemical variation, residue mobility, and thermodynamic stability) performed at Invitae indicates that this missense variant is not expected to disrupt TRAPPC11 protein function with a negative predictive value of 80%. In summary, the available evidence is currently insufficient to determine the role of this variant in disease. Therefore, it has been classified as a Variant of Uncertain Significance.

NM_021942.6(TRAPPC11):c.1612C>T (p.Leu538Phe)

Gene: TRAPPC11 (trafficking protein particle complex subunit 11; plus strand). Cytogenetic location: 4q35.1.
Variant type: single nucleotide variant.
Coding change: c.1612C>T on transcript NM_021942.6 (MANE Select); coding-DNA position 1612, C replaced by T.
Protein change: p.Leu538Phe; replaces leucine 538 with phenylalanine.
Molecular consequence: missense variant.
Genome position (GRCh38, 1-based): chr4:183,685,128, C>T. VCF-style: chr4-183685128-C-T. GRCh37 (hg19) VCF-style: chr4-184606281-C-T.
Other names: c.1612C>T, p.Leu538Phe (NM_199053.3); short protein forms L538F.
Identifiers: ClinVar variation 1438504 (VCV001438504.6), dbSNP rs777110629, ClinGen allele CA3151962.